The following is an entry in ClinVar:

ClinVar aggregate classification (germline): Uncertain significance (1 of 4 stars; one submission).

Conditions:
Cardiomyopathy (CMYO). Also called: Cardiomyopathies. Identifiers: Orphanet 167848, MedGen C0878544, MONDO:0004994, HP:0001638. Inheritance: Various modes of inheritance.

Submission:

All of Us Research Program, National Institutes of Health
Classification: Uncertain significance for Cardiomyopathy. Last evaluated: 2023-07-10. Review status: criteria provided, single submitter. Criteria: ACMG Guidelines, 2015. Collection method: clinical testing. Allele origin: germline. Inheritance: Autosomal dominant inheritance. Observed: 1 variant allele, 1 heterozygote.
Comment: This missense variant replaces glycine with valine at codon 1839 of the MYH7 protein. Computational prediction is inconclusive regarding the impact of this variant on protein structure and function (internally defined REVEL score threshold 0.5 < inconclusive < 0.7, PMID: 27666373). To our knowledge, functional studies have not been reported for this variant. This variant has not been reported in individuals affected with MYH7-related disorders in the literature. This variant has not been identified in the general population by the Genome Aggregation Database (gnomAD). The available evidence is insufficient to determine the role of this variant in disease conclusively. Therefore, this variant is classified as a Variant of Uncertain Significance.

This study involves interpretation of variants in research participants for the purpose of population health screening. Participant phenotype was not available at the time of variant classification. Additional details can be found in publication PMID: 35346344, PMCID: PMC8962531

NM_000257.4(MYH7):c.5516G>T (p.Gly1839Val)

Gene: MYH7 (myosin heavy chain 7; minus strand). Cytogenetic location: 14q11.2.
Variant type: single nucleotide variant.
Coding change: c.5516G>T on transcript NM_000257.4 (MANE Select); coding-DNA position 5516, G replaced by T.
Protein change: p.Gly1839Val; replaces glycine 1839 with valine.
Molecular consequence: missense variant.
Genome position (GRCh38, 1-based): chr14:23,415,038, C>A on the plus strand (G>T on the coding strand, the complement: MYH7 is on the minus strand). VCF-style: chr14-23415038-C-A. GRCh37 (hg19) VCF-style: chr14-23884247-C-A.
Other names: c.5516G>T, p.Gly1839Val (NM_001407004.1); short protein forms G1839V.
Identifiers: ClinVar variation 3072338 (VCV003072338.1), dbSNP rs1566522362, ClinGen allele CA389035088.